The following is an entry in ClinVar:

NM_000053.4(ATP7B):c.2231C>G (p.Ser744Cys)

Gene: ATP7B (ATPase copper transporting beta; minus strand). Cytogenetic location: 13q14.3.
Variant type: single nucleotide variant.
Coding change: c.2231C>G on transcript NM_000053.4 (MANE Select); coding-DNA position 2231, C replaced by G.
Protein change: p.Ser744Cys; replaces serine 744 with cysteine.
Molecular consequence: missense variant. On other transcripts: intron variant (20).
Genome position (GRCh38, 1-based): chr13:51,958,435, G>C on the plus strand (C>G on the coding strand, the complement: ATP7B is on the minus strand). VCF-style: chr13-51958435-G-C. GRCh37 (hg19) VCF-style: chr13-52532571-G-C.
Other names: c.2231C>G, p.Ser744Cys (NM_001406516.1, NM_001406519.1, NM_001406523.1 and 7 more transcripts); c.2135C>G, p.Ser712Cys (NM_001406517.1, NM_001406518.1); c.1979C>G, p.Ser660Cys (NM_001406531.1, NM_001406532.1, NM_001330579.2 and 1 more transcripts); c.1708-828C>G (NM_001406547.1, NM_001406545.1); c.1870-828C>G (NM_001005918.3, NM_001406546.1, NM_001406542.1 and 1 more transcripts); c.2122-828C>G (NM_001406534.1, NM_001406538.1, NM_001330578.2 and 2 more transcripts); c.2122-35C>G (NM_001406520.1, NM_001406537.1, NM_001406521.1 and 1 more transcripts); c.1774-828C>G (NM_001406544.1); and 8 more; short protein forms S660C, S628C, S712C, S733C, S601C, S633C, S744C.
Identifiers: ClinVar variation 2770866 (VCV002770866.3), dbSNP rs1958498953, ClinGen allele CA388022466.
Genomic context (GRCh38, chr13:51,958,435, plus strand): 5'-AAGAATGTCACAGGGCTCCTCTCCGCCTTCTCAGCCACAGCAACCACCAGGATGACCAGA[G>C]AATAAACATAAGCAATGCTTGTGGCCAGGACGATGAGCACGTCCATGTTGGCTGACCTGT-3'
Protein context (NP_000044.2, residues 734-754): VLATSIAYVY[Ser744Cys]LVILVVAVAE

ClinVar aggregate classification (germline): Uncertain significance (1 of 4 stars; one submission).

Conditions:
Wilson disease (WND). Also called: Wilson's disease. Identifiers: Orphanet 905, MedGen C0019202, MONDO:0010200, OMIM 277900. Disease mechanism: loss of function.

Submission:

Labcorp Genetics (formerly Invitae), Labcorp
Classification: Uncertain significance for Wilson disease. Last evaluated: 2023-10-22. Review status: criteria provided, single submitter. Criteria: Invitae Variant Classification Sherloc (09022015). Collection method: clinical testing. Allele origin: germline.
Comment: This sequence change replaces serine, which is neutral and polar, with cysteine, which is neutral and slightly polar, at codon 744 of the ATP7B protein (p.Ser744Cys). This variant is not present in population databases (gnomAD no frequency). This variant has not been reported in the literature in individuals affected with ATP7B-related conditions. Advanced modeling of protein sequence and biophysical properties (such as structural, functional, and spatial information, amino acid conservation, physicochemical variation, residue mobility, and thermodynamic stability) performed at Invitae indicates that this missense variant is expected to disrupt ATP7B protein function with a positive predictive value of 80%. This variant disrupts the p.Ser744 amino acid residue in ATP7B. Other variant(s) that disrupt this residue have been determined to be pathogenic (PMID: 10502777, 14748773, 21682854). This suggests that this residue is clinically significant, and that variants that disrupt this residue are likely to be disease-causing. In summary, the available evidence is currently insufficient to determine the role of this variant in disease. Therefore, it has been classified as a Variant of Uncertain Significance.

Literature cited by the submitters: PubMed 10502777; PubMed 14748773; PubMed 21682854.